The following is an entry in ClinVar:

ClinVar aggregate classification (germline): Uncertain significance. Review status: criteria provided, multiple submitters, no conflicts (2 of 4 stars). 2 submissions from 2 submitters: Uncertain significance (2). Last evaluated 2025-12-22.

Conditions:
Inborn genetic diseases. Identifiers: MedGen C0950123, MeSH D030342.

Allele frequency attached by ClinVar (database versions not stated): gnomAD 0.00001; TOPMed 0.00001; gnomAD exomes below 0.00001.
gnomAD v4.1: 6 of 1,614,020 alleles (0.00037%); highest among the groups gnomAD compares: South Asian, 0.0055%; no homozygotes.

Submissions (2):

Labcorp Genetics (formerly Invitae), Labcorp
Classification: Uncertain significance. Last evaluated: 2025-12-22. Review status: criteria provided, single submitter. Criteria: Invitae Variant Classification Sherloc (09022015). Collection method: clinical testing. Allele origin: germline.
Comment: This sequence change replaces proline, which is neutral and non-polar, with leucine, which is neutral and non-polar, at codon 1785 of the FN1 protein (p.Pro1785Leu). This variant is not present in population databases (gnomAD no frequency). This variant has not been reported in the literature in individuals affected with FN1-related conditions. ClinVar contains an entry for this variant (Variation ID: 2997640). An algorithm developed to predict the effect of missense changes on protein structure and function (PolyPhen-2) suggests that this variant is likely to be disruptive. In summary, the available evidence is currently insufficient to determine the role of this variant in disease. Therefore, it has been classified as a Variant of Uncertain Significance.

Ambry Genetics
Classification: Uncertain significance for Inborn genetic diseases. Last evaluated: 2024-12-25. Review status: criteria provided, single submitter. Criteria: Ambry Variant Classification Scheme 2023. Collection method: clinical testing. Allele origin: germline.

NM_212482.4(FN1):c.5354C>T (p.Pro1785Leu)

Gene: FN1 (fibronectin 1; minus strand). Cytogenetic location: 2q35.
Variant type: single nucleotide variant.
Coding change: c.5354C>T on transcript NM_212482.4 (MANE Select); coding-DNA position 5354, C replaced by T.
Protein change: p.Pro1785Leu; replaces proline 1785 with leucine.
Molecular consequence: missense variant. On other transcripts: intron variant (10).
Genome position (GRCh38, 1-based): chr2:215,380,891, G>A on the plus strand (C>T on the coding strand, the complement: FN1 is on the minus strand). VCF-style: chr2-215380891-G-A. GRCh37 (hg19) VCF-style: chr2-216245614-G-A.
Other names: c.5354C>T, p.Pro1785Leu (NM_001306129.2); c.5081C>T, p.Pro1694Leu (NM_001365518.2, NM_001365520.2, NM_001365524.2 and 2 more transcripts); c.4891+1321C>T (NM_212474.3, NM_001306132.2, NM_001365523.2 and 2 more transcripts); c.5164+1321C>T (NM_001306130.2, NM_001365522.2, NM_001365519.2 and 2 more transcripts); c.5354C>T (NM_212482.1); short protein forms P1785L, P1694L.
Identifiers: ClinVar variation 2997640 (VCV002997640.4), dbSNP rs1559384134, ClinGen allele CA350474249.
Genomic context (GRCh38, chr2:215,380,891, plus strand): 5'-AGGGGCTGGCTCTCCATATCATCGTGCAAGGCAACCACACTGACTGTGTACTCAGAACCC[G>A]GTCTGAGGCCTTGCAGCTCTGCAGTGTCTTCTTCACCATCAGGTGCAGGGAATAGCTCAT-3'
Protein context (NP_997647.2, residues 1775-1795): EDTAELQGLR[Pro1785Leu]GSEYTVSVVA